The following is an entry in ClinVar:

NM_198578.4(LRRK2):c.2174T>C (p.Val725Ala)

Gene: LRRK2 (leucine rich repeat kinase 2; plus strand). Cytogenetic location: 12q12.
Variant type: single nucleotide variant.
Coding change: c.2174T>C on transcript NM_198578.4 (MANE Select); coding-DNA position 2174, T replaced by C.
Protein change: p.Val725Ala; replaces valine 725 with alanine.
Molecular consequence: missense variant.
Genome position (GRCh38, 1-based): chr12:40,278,194, T>C. VCF-style: chr12-40278194-T-C. GRCh37 (hg19) VCF-style: chr12-40671996-T-C.
Other names: short protein forms V725A.
Identifiers: ClinVar variation 1787162 (VCV001787162.6), dbSNP rs754905532, ClinGen allele CA6513573.

ClinVar aggregate classification (germline): Uncertain significance. Review status: criteria provided, multiple submitters, no conflicts (2 of 4 stars). 2 submissions from 2 submitters: Uncertain significance (2). Last evaluated 2025-01-29.

Conditions:
Inborn genetic diseases. Identifiers: MedGen C0950123, MeSH D030342.
Autosomal dominant Parkinson disease 8. Also called: LRRK2-Related Parkinson Disease; Parkinson disease 8; Parkinson disease 8, susceptibility to. Identifiers: Orphanet 411602, MedGen C1846862, MONDO:0011764, OMIM 607060.

Allele frequency attached by ClinVar (database versions not stated): ExAC 0.00001; gnomAD 0.00001; gnomAD exomes 0.00001; TOPMed 0.00001.
gnomAD v4.1: 8 of 1,613,974 alleles (0.0005%); highest among the groups gnomAD compares: African/African-American, 0.0027%; no homozygotes.

Submissions (2):

Ambry Genetics
Classification: Uncertain significance for Inborn genetic diseases. Last evaluated: 2025-01-29. Review status: criteria provided, single submitter. Criteria: Ambry Variant Classification Scheme 2023. Collection method: clinical testing. Allele origin: germline.

Labcorp Genetics (formerly Invitae), Labcorp
Classification: Uncertain significance for Autosomal dominant Parkinson disease 8. Last evaluated: 2023-10-30. Review status: criteria provided, single submitter. Criteria: Invitae Variant Classification Sherloc (09022015). Collection method: clinical testing. Allele origin: germline.
Comment: This sequence change replaces valine, which is neutral and non-polar, with alanine, which is neutral and non-polar, at codon 725 of the LRRK2 protein (p.Val725Ala). This variant is present in population databases (rs754905532, gnomAD no frequency). This variant has not been reported in the literature in individuals affected with LRRK2-related conditions. ClinVar contains an entry for this variant (Variation ID: 1787162). Algorithms developed to predict the effect of missense changes on protein structure and function output the following: SIFT: "Not Available"; PolyPhen-2: "Benign"; Align-GVGD: "Not Available". The alanine amino acid residue is found in multiple mammalian species, which suggests that this missense change does not adversely affect protein function. In summary, the available evidence is currently insufficient to determine the role of this variant in disease. Therefore, it has been classified as a Variant of Uncertain Significance.